The following is an entry in ClinVar:

NM_005505.5(SCARB1):c.74G>A (p.Gly25Asp)

Genes: SCARB1 (scavenger receptor class B member 1; minus strand), LOC130009157 (ATAC-STARR-seq lymphoblastoid silent region 5067; plus strand). Cytogenetic location: 12q24.31.
Variant type: single nucleotide variant.
Coding change: c.74G>A on transcript NM_005505.5 (MANE Select); coding-DNA position 74, G replaced by A.
Protein change: p.Gly25Asp; replaces glycine 25 with aspartic acid.
Molecular consequence: missense variant. On other transcripts: non-coding transcript variant (9).
Genome position (GRCh38, 1-based): chr12:124,863,647, C>T on the plus strand (G>A on the coding strand, the complement: SCARB1 is on the minus strand). VCF-style: chr12-124863647-C-T. GRCh37 (hg19) VCF-style: chr12-125348193-C-T.
Other names: c.74G>A, p.Gly25Asp (NM_001082959.2, NM_001367981.1, NM_001367983.1 and 6 more transcripts); short protein forms G25D.
Identifiers: ClinVar variation 4698525 (VCV004698525.1).

ClinVar aggregate classification (germline): Uncertain significance (1 of 4 stars; one submission).

gnomAD v4.1: 5 of 1,593,840 alleles (0.00031%); highest among the groups gnomAD compares: Non-Finnish European, 0.00034%; no homozygotes.

Submission:

Labcorp Genetics (formerly Invitae), Labcorp
Classification: Uncertain significance. Last evaluated: 2025-04-14. Review status: criteria provided, single submitter. Criteria: Invitae Variant Classification Sherloc (09022015). Collection method: clinical testing. Allele origin: germline.
Comment: This sequence change replaces glycine, which is neutral and non-polar, with aspartic acid, which is acidic and polar, at codon 25 of the SCARB1 protein (p.Gly25Asp). This variant is present in population databases (no rsID available, gnomAD 0.007%). This variant has not been reported in the literature in individuals affected with SCARB1-related conditions. Invitae Evidence Modeling of protein sequence and biophysical properties (such as structural, functional, and spatial information, amino acid conservation, physicochemical variation, residue mobility, and thermodynamic stability) indicates that this missense variant is expected to disrupt SCARB1 protein function with a positive predictive value of 80%. In summary, the available evidence is currently insufficient to determine the role of this variant in disease. Therefore, it has been classified as a Variant of Uncertain Significance.